The following is an entry in ClinVar:

ClinVar aggregate classification (germline): Uncertain significance (1 of 4 stars; one submission).

Conditions:
Hereditary cancer-predisposing syndrome. Also called: Neoplastic Syndromes, Hereditary; Tumor predisposition; Hereditary neoplastic syndrome; Hereditary Cancer Syndrome. Identifiers: Orphanet 140162, MedGen C0027672, MeSH D009386, MONDO:0015356.

Submission:

Ambry Genetics
Classification: Uncertain significance for Hereditary cancer-predisposing syndrome. Last evaluated: 2023-09-29. Review status: criteria provided, single submitter. Criteria: Ambry Variant Classification Scheme 2023. Collection method: clinical testing. Allele origin: germline.
Comment: The c.2041_2042delTCinsCT variant (also known as p.S681L), located in coding exon 12 of the ATM gene, results from an in-frame deletion of TC and insertion of CT at nucleotide positions 2041to 2042. This results in the substitution of the serine residue for a leucine residue at codon 681, an amino acid with dissimilar properties. This amino acid position is well conserved in available vertebrate species. In addition, this alteration is predicted to be neutral by in silico analysis (Choi Y et al. PLoS ONE. 2012; 7(10):e46688). Since supporting evidence is limited at this time, the clinical significance of this alteration remains unclear.

NM_000051.4(ATM):c.2041_2042delinsCT (p.Ser681Leu)

Gene: ATM (ATM serine/threonine kinase; plus strand). Cytogenetic location: 11q22.3.
Variant type: Indel.
Coding change: c.2041_2042delinsCT on transcript NM_000051.4 (MANE Select); coding-DNA positions 2041 to 2042, TC replaced by CT.
Protein change: p.Ser681Leu; replaces serine 681 with leucine.
Molecular consequence: missense variant.
Genome position (GRCh38, 1-based): chr11:108,253,956-108,253,957, TC replaced by CT. VCF-style: chr11-108253956-TC-CT. GRCh37 (hg19) VCF-style: chr11-108124683-TC-CT.
Other names: c.2041_2042delinsCT, p.Ser681Leu (NM_001351834.2); short protein forms S681L.
Identifiers: ClinVar variation 3232279 (VCV003232279.1), dbSNP rs2497315704, ClinGen allele CA2825001781.